The following is an entry in ClinVar:

NM_001040142.2(SCN2A):c.1384-1G>A

Gene: SCN2A (sodium voltage-gated channel alpha subunit 2; plus strand). Cytogenetic location: 2q24.3.
Variant type: single nucleotide variant.
Coding change: c.1384-1G>A on transcript NM_001040142.2 (MANE Select); the canonical splice acceptor site of the intron before coding-DNA position 1384, G replaced by A.
Molecular consequence: splice acceptor variant.
Genome position (GRCh38, 1-based): chr2:165,315,470, G>A. VCF-style: chr2-165315470-G-A. GRCh37 (hg19) VCF-style: chr2-166171980-G-A.
Other names: c.1384-1G>A (NM_001040143.2, NM_001371246.1, NM_001371247.1 and 1 more transcripts).
Identifiers: ClinVar variation 3755414 (VCV003755414.2).

ClinVar aggregate classification (germline): Likely pathogenic (1 of 4 stars; one submission).

Conditions:
Developmental and epileptic encephalopathy, 11 (DEE11). Also called: Early infantile epileptic encephalopathy 11. Identifiers: Orphanet 1934, MedGen C3150987, MONDO:0013388, OMIM 613721.
Seizures, benign familial infantile, 3 (BFIS3). Also called: CONVULSIONS, BENIGN FAMILIAL INFANTILE, 3; Familial neonatal seizures. Identifiers: Orphanet 140927, Orphanet 306, MedGen C1843140, MONDO:0011904, OMIM 607745.

Submission:

Labcorp Genetics (formerly Invitae), Labcorp
Classification: Likely pathogenic for Seizures, benign familial infantile, 3; Developmental and epileptic encephalopathy, 11. Last evaluated: 2024-03-20. Review status: criteria provided, single submitter. Criteria: Invitae Variant Classification Sherloc (09022015). Collection method: clinical testing. Allele origin: germline.
Comment: This sequence change affects an acceptor splice site in intron 10 of the SCN2A gene. It is expected to disrupt RNA splicing. Variants that disrupt the donor or acceptor splice site typically lead to a loss of protein function (PMID: 16199547), and loss-of-function variants in SCN2A are known to be pathogenic (PMID: 28379373). This variant is not present in population databases (gnomAD no frequency). This variant has not been reported in the literature in individuals affected with SCN2A-related conditions. Algorithms developed to predict the effect of sequence changes on RNA splicing suggest that this variant may disrupt the consensus splice site. In summary, the currently available evidence indicates that the variant is pathogenic, but additional data are needed to prove that conclusively. Therefore, this variant has been classified as Likely Pathogenic.

Literature cited by the submitters: PubMed 16199547; PubMed 28379373.